The following is an entry in ClinVar:

ClinVar aggregate classification (germline): Uncertain significance (1 of 4 stars; one submission).

Allele frequency attached by ClinVar (database versions not stated): TOPMed below 0.00001; gnomAD 0.00001.
gnomAD v4.1: 1 of 1,614,084 alleles (0.000062%); highest among the groups gnomAD compares: Non-Finnish European, 0.000085%; no homozygotes.

Submission:

Labcorp Genetics (formerly Invitae), Labcorp
Classification: Uncertain significance. Last evaluated: 2020-11-06. Review status: criteria provided, single submitter. Criteria: Invitae Variant Classification Sherloc (09022015). Collection method: clinical testing. Allele origin: germline.
Comment: In summary, the available evidence is currently insufficient to determine the role of this variant in disease. Therefore, it has been classified as a Variant of Uncertain Significance. Algorithms developed to predict the effect of missense changes on protein structure and function (SIFT, PolyPhen-2, Align-GVGD) all suggest that this variant is likely to be disruptive, but these predictions have not been confirmed by published functional studies and their clinical significance is uncertain. This variant has not been reported in the literature in individuals with TRAF3IP1-related conditions. This variant is not present in population databases (ExAC no frequency). This sequence change replaces isoleucine with threonine at codon 95 of the TRAF3IP1 protein (p.Ile95Thr). The isoleucine residue is highly conserved and there is a moderate physicochemical difference between isoleucine and threonine.

NM_015650.4(TRAF3IP1):c.284T>C (p.Ile95Thr)

Gene: TRAF3IP1 (TRAF3 interacting protein 1; plus strand). Cytogenetic location: 2q37.3.
Variant type: single nucleotide variant.
Coding change: c.284T>C on transcript NM_015650.4 (MANE Select); coding-DNA position 284, T replaced by C.
Protein change: p.Ile95Thr; replaces isoleucine 95 with threonine.
Molecular consequence: missense variant.
Genome position (GRCh38, 1-based): chr2:238,325,900, T>C. VCF-style: chr2-238325900-T-C. GRCh37 (hg19) VCF-style: chr2-239234541-T-C.
Other names: c.284T>C, p.Ile95Thr (NM_001139490.1); short protein forms I95T.
Identifiers: ClinVar variation 1062908 (VCV001062908.9), dbSNP rs1025631475, ClinGen allele CA351242259.